The following is an entry in ClinVar:

ClinVar aggregate classification (germline): Uncertain significance (1 of 4 stars; one submission).

Conditions:
Inborn genetic diseases. Identifiers: MedGen C0950123, MeSH D030342.

Submission:

Ambry Genetics
Classification: Uncertain significance for Inborn genetic diseases. Last evaluated: 2024-05-25. Review status: criteria provided, single submitter. Criteria: Ambry Variant Classification Scheme 2023. Collection method: clinical testing. Allele origin: germline.
Comment: The p.L1063I variant (also known as c.3187C>A), located in coding exon 24 of the LRRK2 gene, results from a C to A substitution at nucleotide position 3187. The leucine at codon 1063 is replaced by isoleucine, an amino acid with highly similar properties. This amino acid position is conserved. In addition, the in silico prediction for this alteration is inconclusive. Based on the available evidence, the clinical significance of this variant remains unclear.

NM_198578.4(LRRK2):c.3187C>A (p.Leu1063Ile)

Gene: LRRK2 (leucine rich repeat kinase 2; plus strand). Cytogenetic location: 12q12.
Variant type: single nucleotide variant.
Coding change: c.3187C>A on transcript NM_198578.4 (MANE Select); coding-DNA position 3187, C replaced by A.
Protein change: p.Leu1063Ile; replaces leucine 1063 with isoleucine.
Molecular consequence: missense variant.
Genome position (GRCh38, 1-based): chr12:40,298,333, C>A. VCF-style: chr12-40298333-C-A. GRCh37 (hg19) VCF-style: chr12-40692135-C-A.
Other names: short protein forms L1063I.
Identifiers: ClinVar variation 3292034 (VCV003292034.1).